The following is an entry in ClinVar:

ClinVar aggregate classification (germline): Uncertain significance. Review status: criteria provided, single submitter (1 of 4 stars). 2 submissions from 2 submitters: Uncertain significance (1). 1 of the submissions does not count toward it. Last evaluated 2024-04-06.

Conditions:
Cardiovascular phenotype. Identifiers: MedGen CN230736.
ABCG8-related disorder. Also called: ABCG8-related condition.

gnomAD v4.1: 2 of 1,613,528 alleles (0.00012%); highest among the groups gnomAD compares: Middle Eastern, 0.017%; no homozygotes.

Submissions (2):

Ambry Genetics
Classification: Uncertain significance for Cardiovascular phenotype. Last evaluated: 2024-04-06. Review status: criteria provided, single submitter. Criteria: Ambry Variant Classification Scheme 2023. Collection method: clinical testing. Allele origin: germline.
Comment: The p.P231Q variant (also known as c.692C>A), located in coding exon 5 of the ABCG8 gene, results from a C to A substitution at nucleotide position 692. The proline at codon 231 is replaced by glutamine, an amino acid with similar properties. This amino acid position is conserved. In addition, this alteration is predicted to be deleterious by in silico analysis. Based on the available evidence, the clinical significance of this variant remains unclear.

PreventionGenetics, part of Exact Sciences
Classification: Uncertain significance for ABCG8-related condition. Last evaluated: 2024-03-27. Review status: no assertion criteria provided. Collection method: clinical testing. Allele origin: germline. Not counted in ClinVar's aggregate classification.
Comment: The ABCG8 c.692C>A variant is predicted to result in the amino acid substitution p.Pro231Gln. To our knowledge, this variant has not been reported in the literature or in a large population database, indicating this variant is rare. At this time, the clinical significance of this variant is uncertain due to the absence of conclusive functional and genetic evidence.

NM_022437.3(ABCG8):c.692C>A (p.Pro231Gln)

Gene: ABCG8 (ATP binding cassette subfamily G member 8; plus strand). Cytogenetic location: 2p21.
Variant type: single nucleotide variant.
Coding change: c.692C>A on transcript NM_022437.3 (MANE Select); coding-DNA position 692, C replaced by A.
Protein change: p.Pro231Gln; replaces proline 231 with glutamine.
Molecular consequence: missense variant.
Genome position (GRCh38, 1-based): chr2:43,852,484, C>A. VCF-style: chr2-43852484-C-A. GRCh37 (hg19) VCF-style: chr2-44079623-C-A.
Other names: c.692C>A, p.Pro231Gln (NM_001357321.2); short protein forms P231Q.
Identifiers: ClinVar variation 3312796 (VCV003312796.2).
Genomic context (GRCh38, chr2:43,852,484, plus strand): 5'-GGGGGTTGTCGGGGGGTGAGCGCAGGAGAGTCAGCATTGGGGTGCAGCTCCTGTGGAACC[C>A]AGGTGAGGGCCTGGGGGGCAGATGGGGGCAGAGGGACCTGTGCGGTCCCCTCAGGCTTGG-3'
Protein context (NP_071882.1, residues 221-241): VSIGVQLLWN[Pro231Gln]GILILDEPTS